The following is an entry in ClinVar:

ClinVar aggregate classification (germline): Uncertain significance. Review status: criteria provided, multiple submitters, no conflicts (2 of 4 stars). 3 submissions from 3 submitters: Uncertain significance (3). Last evaluated 2025-07-15.

Conditions:
Hereditary cancer-predisposing syndrome. Also called: Tumor predisposition; Neoplastic Syndromes, Hereditary; Hereditary Cancer Syndrome; Hereditary neoplastic syndrome. Identifiers: Orphanet 140162, MedGen C0027672, MeSH D009386, MONDO:0015356.
Ataxia-telangiectasia syndrome (AT). Also called: ATAXIA-TELANGIECTASIA, COMPLEMENTATION GROUP A; ATAXIA-TELANGIECTASIA, FRESNO VARIANT; Ataxia-telangiectasia; Ataxia-telangiectasia, complementation group D; AT, COMPLEMENTATION GROUP C; Ataxia-telangiectasia, complementation group E. Identifiers: Orphanet 100, MedGen C0004135, MONDO:0008840, OMIM 208900.

Submissions (3):

Ambry Genetics
Classification: Uncertain significance for Hereditary cancer-predisposing syndrome. Last evaluated: 2025-07-15. Review status: criteria provided, single submitter. Criteria: Ambry Variant Classification Scheme 2023. Collection method: clinical testing. Allele origin: germline.
Comment: The p.E2052G variant (also known as c.6155A>G), located in coding exon 41 of the ATM gene, results from an A to G substitution at nucleotide position 6155. The glutamic acid at codon 2052 is replaced by glycine, an amino acid with similar properties. A similar alteration at this codon, p.E2052K (c.6154G>A), has been reported in a homozygous state in one individual with ataxia telangiectasia (A-T) (Teraoka SN et al, Am. J. Hum. Genet. 1999 Jun; 64(6):1617-31) and in a compound heterozygous state in 3 siblings with dopa-responsive dystonia via exome sequencing (Charlesworth G et al, Neurology 2013 Sep; 81(13):1148-51). This amino acid position is well conserved in available vertebrate species. In addition, this alteration is predicted to be tolerated by in silico analysis. Based on the available evidence, the clinical significance of this variant remains unclear.

Labcorp Genetics (formerly Invitae), Labcorp
Classification: Uncertain significance for Ataxia-telangiectasia syndrome. Last evaluated: 2024-10-23. Review status: criteria provided, single submitter. Criteria: Invitae Variant Classification Sherloc (09022015). Collection method: clinical testing. Allele origin: germline.
Comment: This sequence change replaces glutamic acid, which is acidic and polar, with glycine, which is neutral and non-polar, at codon 2052 of the ATM protein (p.Glu2052Gly). This variant is not present in population databases (gnomAD no frequency). This variant has not been reported in the literature in individuals affected with ATM-related conditions. ClinVar contains an entry for this variant (Variation ID: 826213). Invitae Evidence Modeling of protein sequence and biophysical properties (such as structural, functional, and spatial information, amino acid conservation, physicochemical variation, residue mobility, and thermodynamic stability) indicates that this missense variant is not expected to disrupt ATM protein function with a negative predictive value of 95%. In summary, the available evidence is currently insufficient to determine the role of this variant in disease. Therefore, it has been classified as a Variant of Uncertain Significance.

Color Diagnostics, LLC DBA Color Health
Classification: Uncertain significance for Hereditary cancer-predisposing syndrome. Last evaluated: 2023-12-05. Review status: criteria provided, single submitter. Criteria: ACMG Guidelines, 2015. Collection method: clinical testing. Allele origin: germline.
Comment: This missense variant replaces glutamic acid with glycine at codon 2052 of the ATM protein. Computational prediction suggests that this variant may not impact protein structure and function (internally defined REVEL score threshold <= 0.5, PMID: 27666373). To our knowledge, functional studies have not been reported for this variant. This variant has not been reported in individuals affected with ATM-related disorders in the literature. This variant has not been identified in the general population by the Genome Aggregation Database (gnomAD). The available evidence is insufficient to determine the role of this variant in disease conclusively. Therefore, this variant is classified as a Variant of Uncertain Significance.

NM_000051.4(ATM):c.6155A>G (p.Glu2052Gly)

Genes: ATM (ATM serine/threonine kinase; plus strand), C11orf65 (chromosome 11 open reading frame 65; minus strand). Cytogenetic location: 11q22.3.
Variant type: single nucleotide variant.
Coding change: c.6155A>G on transcript NM_000051.4 (MANE Select); coding-DNA position 6155, A replaced by G.
Protein change: p.Glu2052Gly; replaces glutamic acid 2052 with glycine.
Molecular consequence: missense variant. On other transcripts: intron variant (2).
Genome position (GRCh38, 1-based): chr11:108,316,070, A>G. VCF-style: chr11-108316070-A-G. GRCh37 (hg19) VCF-style: chr11-108186797-A-G.
Other names: c.6155A>G, p.Glu2052Gly (NM_001351834.2); c.641-6999T>C (NM_001330368.2); c.*39-6999T>C (NM_001351110.2); short protein forms E2052G.
Identifiers: ClinVar variation 826213 (VCV000826213.16), dbSNP rs1591779138, ClinGen allele CA382550603.
Genomic context (GRCh38, chr11:108,316,070, plus strand): 5'-GACTACGAACATATGAACACGAAGCAATGTGGGGCAAAGCCCTAGTAACATATGACCTCG[A>G]AACAGCAATCCCCTCATCAACACGCCAGGCAGGAATCATTCAGGTACATTTTTTCCCAGA-3'
Protein context (NP_000042.3, residues 2042-2062): WGKALVTYDL[Glu2052Gly]TAIPSSTRQA